The following is an entry in ClinVar:

ClinVar aggregate classification (germline): Pathogenic/Likely pathogenic. Review status: criteria provided, multiple submitters, no conflicts (2 of 4 stars). 4 submissions from 4 submitters: Pathogenic (1); Likely pathogenic (1). 2 of the submissions do not count toward it. Last evaluated 2023-12-04.

Conditions:
Leukodystrophy, hypomyelinating, 6. Also called: TUBB4A-Associated Leukodystrophy; LEUKODYSTROPHY, HYPOMYELINATING, WITH ATROPHY OF THE BASAL GANGLIA AND CEREBELLUM; Hypomyelination with Atrophy of Basal Ganglia and Cerebellum (H-ABC). Identifiers: Orphanet 139441, MedGen C2676244, MONDO:0012905, OMIM 612438.

Allele frequency attached by ClinVar (database versions not stated): gnomAD exomes below 0.00001; ExAC 0.00001.
gnomAD v4.1: 1 of 1,614,232 alleles (0.000062%); highest among the groups gnomAD compares: Non-Finnish European, 0.000085%; no homozygotes.

Submissions (4):

3billion
Classification: Likely pathogenic for Leukodystrophy, hypomyelinating, 6. Last evaluated: 2023-12-04. Review status: criteria provided, single submitter. Criteria: ACMG Guidelines, 2015. Collection method: clinical testing. Allele origin: germline. Affected: yes.
Comment: The variant is observed at an extremely low frequency in the gnomAD v2.1.1 dataset (total allele frequency: <0.001%). Predicted Consequence/Location: Missense changes are a common disease-causing mechanism. In silico tool predictions suggest damaging effect of the variant on gene or gene product [REVEL: 0.78 (>=0.6, sensitivity 0.68 and specificity 0.92); 3Cnet: 0.62 (>=0.6, sensitivity 0.72 and precision 0.9)]. Same nucleotide change resulting in same amino acid change has been previously reported as pathogenic/likely pathogenic with strong evidence (ClinVar ID: VCV000192383 /PMID: 25772097). Therefore, this variant is classified as Likely pathogenic according to the recommendation of ACMG/AMP guideline.

Labcorp Genetics (formerly Invitae), Labcorp
Classification: Pathogenic for Leukodystrophy, hypomyelinating, 6. Last evaluated: 2023-04-09. Review status: criteria provided, single submitter. Criteria: Invitae Variant Classification Sherloc (09022015). Collection method: clinical testing. Allele origin: germline.
Comment: For these reasons, this variant has been classified as Pathogenic. Advanced modeling of protein sequence and biophysical properties (such as structural, functional, and spatial information, amino acid conservation, physicochemical variation, residue mobility, and thermodynamic stability) performed at Invitae indicates that this missense variant is not expected to disrupt TUBB4A protein function. ClinVar contains an entry for this variant (Variation ID: 192383). This missense change has been observed in individual(s) with TUBB4A-related conditions (PMID: 25772097, 27538619). In at least one individual the variant was observed to be de novo. It has also been observed to segregate with disease in related individuals. The frequency data for this variant in the population databases is considered unreliable, as metrics indicate poor data quality at this position in the gnomAD database. This sequence change replaces histidine, which is basic and polar, with tyrosine, which is neutral and polar, at codon 190 of the TUBB4A protein (p.His190Tyr).

OMIM
Classification: Pathogenic for LEUKODYSTROPHY, HYPOMYELINATING, 6. Last evaluated: 2015-05-01. Review status: no assertion criteria provided. Collection method: literature only. Allele origin: germline. Not counted in ClinVar's aggregate classification.

GeneReviews
No classification provided. Condition: Leukodystrophy, hypomyelinating, 6. Review status: no classification provided. Collection method: literature only. Allele origin: germline. Affected: yes. Not counted in ClinVar's aggregate classification.

Literature cited by the submitters: PubMed 25772097 (cited by 4 submitters); PubMed 27538619 (cited by Labcorp Genetics (formerly Invitae), Labcorp); NCBI Bookshelf NBK395611 (cited by GeneReviews).

NM_006087.4(TUBB4A):c.568C>T (p.His190Tyr)

Gene: TUBB4A (tubulin beta 4A class IVa; minus strand). Cytogenetic location: 19p13.3.
Variant type: single nucleotide variant.
Coding change: c.568C>T on transcript NM_006087.4 (MANE Select); coding-DNA position 568, C replaced by T.
Protein change: p.His190Tyr; replaces histidine 190 with tyrosine.
Molecular consequence: missense variant.
Genome position (GRCh38, 1-based): chr19:6,495,931, G>A on the plus strand (C>T on the coding strand, the complement: TUBB4A is on the minus strand). VCF-style: chr19-6495931-G-A. GRCh37 (hg19) VCF-style: chr19-6495942-G-A.
Other names: c.721C>T, p.His241Tyr (NM_001289123.2); c.703C>T, p.His235Tyr (NM_001289127.2); c.568C>T, p.His190Tyr (NM_001289129.2); c.352C>T, p.His118Tyr (NM_001289130.2, NM_001289131.2); short protein forms H190Y, H241Y, H235Y, H118Y.
Identifiers: ClinVar variation 192383 (VCV000192383.12), dbSNP rs761635539, ClinGen allele CA9127350.
Genomic context (GRCh38, chr19:6,495,931, plus strand): 5'-TGTCGTAGAGTGCCTCGTTGTCGATGCAGTAGGTCTCATCCGTATTCTCCACCAGCTGGT[G>A]CACAGACAGCGTGGCGTTGTAGGGCTCCACCACCGTGTCTGACACTTTGGGCGAGGGCAC-3'
Protein context (NP_006078.2, residues 180-200): VEPYNATLSV[His190Tyr]QLVENTDETY